The following is an entry in ClinVar:

NM_138477.4(CDAN1):c.2263-6dup

Gene: CDAN1 (codanin 1; minus strand). Cytogenetic location: 15q15.2.
Variant type: Duplication.
Coding change: c.2263-6dup on transcript NM_138477.4 (MANE Select); 6 bases into the intron before coding-DNA position 2263, one base duplicated (T; older notation c.2263-6dupT).
Molecular consequence: intron variant.
Genome position (GRCh38, 1-based): chr15:42,729,891, A duplicated on the plus strand (T on the coding strand, the reverse complement: CDAN1 is on the minus strand); the first of 2 consecutive A bases (chr15:42,729,891-42,729,892); duplicating either gives the same sequence. VCF-style (leftmost placement, unchanged base first): chr15-42729890-C-CA. GRCh37 (hg19) VCF-style: chr15-43022088-C-CA.
Identifiers: ClinVar variation 3031202 (VCV003031202.4), dbSNP rs2506094591, ClinGen allele CA489895099.
Genomic context (GRCh38, chr15:42,729,890, plus strand): 5'-AAGGCATATGAGGGACCCTCTTCCAGAAAGAACAAGTCCTCAGGGACTGTGGGAATCTGG[C>CA]AAGACAGTCACAATTCAGGTCAACTTCAGAGACCCCCACCCAACCCACCCCACCTCCTGC-3'

ClinVar aggregate classification (germline): Likely benign. Review status: criteria provided, single submitter (1 of 4 stars). 2 submissions from 2 submitters: Likely benign (1). 1 of the submissions does not count toward it. Last evaluated 2025-01-02.

Conditions:
CDAN1-related disorder. Also called: CDAN1-related condition.

Submissions (2):

Labcorp Genetics (formerly Invitae), Labcorp
Classification: Likely benign. Last evaluated: 2025-01-02. Review status: criteria provided, single submitter. Criteria: Invitae Variant Classification Sherloc (09022015). Collection method: clinical testing. Allele origin: germline.

PreventionGenetics, part of Exact Sciences
Classification: Likely benign for CDAN1-related condition. Last evaluated: 2021-04-19. Review status: no assertion criteria provided. Collection method: clinical testing. Allele origin: germline. Not counted in ClinVar's aggregate classification.
Comment: This variant is classified as likely benign based on ACMG/AMP sequence variant interpretation guidelines (Richards et al. 2015 PMID: 25741868, with internal and published modifications).